The following is an entry in ClinVar:

NM_001365536.1(SCN9A):c.3380G>A (p.Cys1127Tyr)

Genes: SCN9A (sodium voltage-gated channel alpha subunit 9; minus strand), SCN1A-AS1 (SCN1A and SCN9A antisense RNA 1; plus strand). Cytogenetic location: 2q24.3.
Variant type: single nucleotide variant.
Coding change: c.3380G>A on transcript NM_001365536.1 (MANE Select); coding-DNA position 3380, G replaced by A.
Protein change: p.Cys1127Tyr; replaces cysteine 1127 with tyrosine.
Molecular consequence: missense variant. On other transcripts: non-coding transcript variant (1).
Genome position (GRCh38, 1-based): chr2:166,251,857, C>T on the plus strand (G>A on the coding strand, the complement: SCN9A is on the minus strand). VCF-style: chr2-166251857-C-T. GRCh37 (hg19) VCF-style: chr2-167108367-C-T.
Other names: c.3347G>A, p.Cys1116Tyr (NM_002977.4); short protein forms C1116Y, C1127Y.
Identifiers: ClinVar variation 933772 (VCV000933772.11), dbSNP rs766904425, ClinGen allele CA1944074.

ClinVar aggregate classification (germline): Uncertain significance. Review status: criteria provided, multiple submitters, no conflicts (2 of 4 stars). 2 submissions from 2 submitters: Uncertain significance (2). Last evaluated 2025-09-25.

Conditions:
Generalized epilepsy with febrile seizures plus, type 7 (GEFSP7). Also called: GEFS+, TYPE 7. Identifiers: Orphanet 36387, MedGen C2751778, MONDO:0013470, OMIM 613863.
Neuropathy, hereditary sensory and autonomic, type 2A (HSAN2A). Also called: ACROOSTEOLYSIS, GIACCAI TYPE; ACROOSTEOLYSIS, NEUROGENIC; HSAN IIA; WNK1-Related HSAN2 (HSAN2A); MORVAN DISEASE; NEUROPATHY, CONGENITAL SENSORY. Identifiers: Orphanet 970, MedGen C2752089, MONDO:0024309, OMIM 201300.
Inborn genetic diseases. Identifiers: MedGen C0950123, MeSH D030342.

Allele frequency attached by ClinVar (database versions not stated): gnomAD exomes below 0.00001; ExAC 0.00001.

Submissions (2):

Labcorp Genetics (formerly Invitae), Labcorp
Classification: Uncertain significance for Neuropathy, hereditary sensory and autonomic, type 2A; Generalized epilepsy with febrile seizures plus, type 7. Last evaluated: 2025-09-25. Review status: criteria provided, single submitter. Criteria: Invitae Variant Classification Sherloc (09022015). Collection method: clinical testing. Allele origin: germline.
Comment: This sequence change replaces cysteine, which is neutral and slightly polar, with tyrosine, which is neutral and polar, at codon 1116 of the SCN9A protein (p.Cys1116Tyr). This variant is present in population databases (rs766904425, gnomAD 0.0009%). This variant has not been reported in the literature in individuals affected with SCN9A-related conditions. ClinVar contains an entry for this variant (Variation ID: 933772). Invitae Evidence Modeling of protein sequence and biophysical properties (such as structural, functional, and spatial information, amino acid conservation, physicochemical variation, residue mobility, and thermodynamic stability) indicates that this missense variant is not expected to disrupt SCN9A protein function with a negative predictive value of 95%. In summary, the available evidence is currently insufficient to determine the role of this variant in disease. Therefore, it has been classified as a Variant of Uncertain Significance.

Ambry Genetics
Classification: Uncertain significance for Inborn genetic diseases. Last evaluated: 2024-11-27. Review status: criteria provided, single submitter. Criteria: Ambry Variant Classification Scheme 2023. Collection method: clinical testing. Allele origin: germline.